The following is an entry in ClinVar:

ClinVar aggregate classification (germline): Uncertain significance (1 of 4 stars; one submission).

Conditions:
Hereditary cancer-predisposing syndrome. Also called: Neoplastic Syndromes, Hereditary; Tumor predisposition; Hereditary Cancer Syndrome; Hereditary neoplastic syndrome. Identifiers: Orphanet 140162, MedGen C0027672, MeSH D009386, MONDO:0015356.

Submission:

Ambry Genetics
Classification: Uncertain significance for Hereditary cancer-predisposing syndrome. Last evaluated: 2022-02-12. Review status: criteria provided, single submitter. Criteria: Ambry Variant Classification Scheme 2023. Collection method: clinical testing. Allele origin: germline.
Comment: The p.A111T variant (also known as c.331G>A), located in coding exon 5 of the SDHC gene, results from a G to A substitution at nucleotide position 331. The alanine at codon 111 is replaced by threonine, an amino acid with similar properties. This amino acid position is conserved. In addition, this alteration is predicted to be tolerated by in silico analysis. Since supporting evidence is limited at this time, the clinical significance of this alteration remains unclear.

NM_003001.5(SDHC):c.331G>A (p.Ala111Thr)

Gene: SDHC (succinate dehydrogenase complex subunit C; plus strand). Cytogenetic location: 1q23.3.
Variant type: single nucleotide variant.
Coding change: c.331G>A on transcript NM_003001.5 (MANE Select); coding-DNA position 331, G replaced by A.
Protein change: p.Ala111Thr; replaces alanine 111 with threonine.
Molecular consequence: missense variant. On other transcripts: non-coding transcript variant (1), intron variant (3).
Genome position (GRCh38, 1-based): chr1:161,356,766, G>A. VCF-style: chr1-161356766-G-A. GRCh37 (hg19) VCF-style: chr1-161326556-G-A.
Other names: c.229G>A, p.Ala77Thr (NM_001035512.3); c.172G>A, p.Ala58Thr (NM_001035513.3); c.451G>A, p.Ala151Thr (NM_001407115.1); c.274G>A, p.Ala92Thr (NM_001407116.1); c.268G>A, p.Ala90Thr (NM_001407117.1); c.223G>A, p.Ala75Thr (NM_001407118.1); c.220G>A, p.Ala74Thr (NM_001407119.1, NM_001407120.1); c.242-5563G>A (NM_001035511.3); and 2 more; short protein forms A58T, A74T, A75T, A77T, A111T, A151T, A90T, A92T.
Identifiers: ClinVar variation 1730184 (VCV001730184.2), dbSNP rs2102370911, ClinGen allele CA343456509.